The following is an entry in ClinVar:

ClinVar aggregate classification (germline): Conflicting classifications of pathogenicity. Review status: criteria provided, conflicting classifications (1 of 4 stars). 2 submissions from 2 submitters: Uncertain significance (1); Likely benign (1). Last evaluated 2025-08-20.

Conditions:
Gorlin syndrome. Also called: Nevoid Basal Cell Carcinoma Syndrome; Basal cell nevus syndrome. Identifiers: Orphanet 377, MedGen C0004779, MONDO:0007187.
Hereditary cancer-predisposing syndrome. Also called: Neoplastic Syndromes, Hereditary; Hereditary neoplastic syndrome; Hereditary Cancer Syndrome; Tumor predisposition. Identifiers: Orphanet 140162, MedGen C0027672, MeSH D009386, MONDO:0015356.

Allele frequency attached by ClinVar (database versions not stated): gnomAD exomes below 0.00001 and 0.00001; ExAC 0.00002.
gnomAD v4.1: 6 of 1,614,084 alleles (0.00037%); highest among the groups gnomAD compares: African/African-American, 0.0027%; no homozygotes.

Submissions (2):

Labcorp Genetics (formerly Invitae), Labcorp
Classification: Likely benign for Gorlin syndrome. Last evaluated: 2025-08-20. Review status: criteria provided, single submitter. Criteria: Invitae Variant Classification Sherloc (09022015). Collection method: clinical testing. Allele origin: germline.

Ambry Genetics
Classification: Uncertain significance for Hereditary cancer-predisposing syndrome. Last evaluated: 2025-01-02. Review status: criteria provided, single submitter. Criteria: Ambry Variant Classification Scheme 2023. Collection method: clinical testing. Allele origin: germline.
Comment: The p.Q688R variant (also known as c.2063A>G), located in coding exon 14 of the PTCH1 gene, results from an A to G substitution at nucleotide position 2063. The glutamine at codon 688 is replaced by arginine, an amino acid with highly similar properties. This amino acid position is highly conserved in available vertebrate species. In addition, this alteration is predicted to be deleterious by in silico analysis. Based on the available evidence, the clinical significance of this variant remains unclear.

NM_000264.5(PTCH1):c.2063A>G (p.Gln688Arg)

Genes: PTCH1 (patched 1; minus strand), LOC100507346 (uncharacterized LOC100507346; plus strand). Cytogenetic location: 9q22.32.
Variant type: single nucleotide variant.
Coding change: c.2063A>G on transcript NM_000264.5 (MANE Select); coding-DNA position 2063, A replaced by G.
Protein change: p.Gln688Arg; replaces glutamine 688 with arginine.
Molecular consequence: missense variant. On other transcripts: non-coding transcript variant (2).
Genome position (GRCh38, 1-based): chr9:95,468,938, T>C on the plus strand (A>G on the coding strand, the complement: PTCH1 is on the minus strand). VCF-style: chr9-95468938-T-C. GRCh37 (hg19) VCF-style: chr9-98231220-T-C.
Other names: c.1865A>G, p.Gln622Arg (NM_001083602.3); c.2060A>G, p.Gln687Arg (NM_001083603.3); c.1610A>G, p.Gln537Arg (NM_001083604.3, NM_001083605.3, NM_001083606.3 and 1 more transcripts); c.1907A>G, p.Gln636Arg (NM_001354918.2); short protein forms Q537R, Q622R, Q688R, Q687R, Q636R.
Identifiers: ClinVar variation 947735 (VCV000947735.12), dbSNP rs751955563, ClinGen allele CA5138455.